The following is an entry in ClinVar:

ClinVar aggregate classification (germline): Uncertain significance (1 of 4 stars; one submission).

gnomAD v4.1: 3 of 1,492,400 alleles (0.0002%); highest among the groups gnomAD compares: South Asian, 0.0041%; no homozygotes.

Submission:

Labcorp Genetics (formerly Invitae), Labcorp
Classification: Uncertain significance. Last evaluated: 2025-09-23. Review status: criteria provided, single submitter. Criteria: Invitae Variant Classification Sherloc (09022015). Collection method: clinical testing. Allele origin: germline.
Comment: This sequence change replaces isoleucine, which is neutral and non-polar, with methionine, which is neutral and non-polar, at codon 299 of the ERBIN protein (p.Ile299Met). This variant is not present in population databases (gnomAD no frequency). This variant has not been reported in the literature in individuals affected with ERBIN-related conditions. An algorithm developed to predict the effect of missense changes on protein structure and function (PolyPhen-2) suggests that this variant is likely to be tolerated. In summary, the available evidence is currently insufficient to determine the role of this variant in disease. Therefore, it has been classified as a Variant of Uncertain Significance.

NM_001253697.2(ERBIN):c.897A>G (p.Ile299Met)

Gene: ERBIN (erbb2 interacting protein; plus strand). Cytogenetic location: 5q12.3.
Variant type: single nucleotide variant.
Coding change: c.897A>G on transcript NM_001253697.2 (MANE Select); coding-DNA position 897, A replaced by G.
Protein change: p.Ile299Met; replaces isoleucine 299 with methionine.
Molecular consequence: missense variant.
Genome position (GRCh38, 1-based): chr5:66,025,854, A>G. VCF-style: chr5-66025854-A-G. GRCh37 (hg19) VCF-style: chr5-65321682-A-G.
Other names: c.897A>G, p.Ile299Met (NM_001006600.3, NM_001253698.2, NM_001253699.2 and 2 more transcripts); short protein forms I299M.
Identifiers: ClinVar variation 4772656 (VCV004772656.1).
Genomic context (GRCh38, chr5:66,025,854, plus strand): 5'-TTATATATAGGAAATCTTTAACAAATAATATATATTTCTTTTTTTAAATTAAAGGTTAAT[A>G]TCAGTAGAAGAACTGGATTGTAGTTTCAATGAAGTTGAAGCTTTGCCTTCATCTATTGGG-3'
Protein context (NP_001240626.1, residues 289-309): MYLPDSIGGL[Ile299Met]SVEELDCSFN